The following is an entry in ClinVar:

NM_006493.4(CLN5):c.*310T>C

Gene: CLN5 (CLN5 lysosomal BMP synthase; plus strand). Cytogenetic location: 13q22.3.
Variant type: single nucleotide variant.
Coding change: c.*310T>C on transcript NM_006493.4 (MANE Select); 310 bases downstream of the stop codon, T replaced by C.
Molecular consequence: 3 prime UTR variant.
Genome position (GRCh38, 1-based): chr13:77,001,279, T>C. VCF-style: chr13-77001279-T-C. GRCh37 (hg19) VCF-style: chr13-77575414-T-C.
Other names: c.*310T>C (LRG_692t1); c.*836T>C (NM_001366624.2).
Identifiers: ClinVar variation 312435 (VCV000312435.6), dbSNP rs553934239, ClinGen allele CA10644802.

ClinVar aggregate classification (germline): Likely benign (1 of 4 stars; one submission).

Conditions:
Neuronal ceroid lipofuscinosis 5 (CLN5). Also called: CEROID LIPOFUSCINOSIS, NEURONAL, 5, VARIABLE AGE AT ONSET; Neuronal ceroid lipofuscinosis Finnish variant; NEURONAL CEROID LIPOFUSCINOSIS, LATE INFANTILE, FINNISH VARIANT; CLN5-Related Neuronal Ceroid-Lipofuscinosis. Identifiers: Orphanet 168491, Orphanet 228360, MedGen C1850442, MONDO:0009745, OMIM 256731.

Allele frequency attached by ClinVar (database versions not stated): 1000 Genomes Project 30x 0.00047; 1000 Genomes Project 0.00060; gnomAD 0.00064; TOPMed 0.00105; gnomAD exomes 0.00110.

Submission:

Illumina Laboratory Services, Illumina
Classification: Likely benign for Neuronal ceroid lipofuscinosis 5. Last evaluated: 2018-01-13. Review status: criteria provided, single submitter. Criteria: ICSL Variant Classification Criteria 13 December 2019. Collection method: clinical testing. Allele origin: germline.
Comment: This variant was observed in the ICSL laboratory as part of a predisposition screen in an ostensibly healthy population. It had not been previously curated by ICSL or reported in the Human Gene Mutation Database (HGMD: prior to June 1st, 2018), and was therefore a candidate for classification through an automated scoring system. Utilizing variant allele frequency, disease prevalence and penetrance estimates, and inheritance mode, an automated score was calculated to assess if this variant is too frequent to cause the disease. Based on the score and internal cut-off values, a variant classified as likely benign is not then subjected to further curation. The score for this variant resulted in a classification of likely benign for this disease.